The following is an entry in ClinVar:

NM_005458.8(GABBR2):c.2069A>G (p.Lys690Arg)

Gene: GABBR2 (gamma-aminobutyric acid type B receptor subunit 2; minus strand). Cytogenetic location: 9q22.33.
Variant type: single nucleotide variant.
Coding change: c.2069A>G on transcript NM_005458.8 (MANE Select); coding-DNA position 2069, A replaced by G.
Protein change: p.Lys690Arg; replaces lysine 690 with arginine.
Molecular consequence: missense variant.
Genome position (GRCh38, 1-based): chr9:98,306,281, T>C on the plus strand (A>G on the coding strand, the complement: GABBR2 is on the minus strand). VCF-style: chr9-98306281-T-C. GRCh37 (hg19) VCF-style: chr9-101068563-T-C.
Other names: short protein forms K690R.
Identifiers: ClinVar variation 5007480 (VCV005007480.2).

ClinVar aggregate classification (germline): Uncertain significance (1 of 4 stars; one submission).

Conditions:
Developmental and epileptic encephalopathy, 59. Also called: Early infantile epileptic encephalopathy 59. Identifiers: MedGen C4693550, MONDO:0033368, OMIM 617904.
Neurodevelopmental disorder with poor language and loss of hand skills. Identifiers: MedGen C4693546, MONDO:0060659, OMIM 617903.
Tobacco addiction, susceptibility to. Also called: CIGARETTE HABITUATION, SUSCEPTIBILITY TO. Identifiers: MedGen C1861063, MONDO:0100460, OMIM 188890.

gnomAD v4.1: 2 of 1,614,154 alleles (0.00012%); highest among the groups gnomAD compares: South Asian, 0.0011%; no homozygotes.

Submission:

Juno Genomics, Hangzhou Juno Genomics, Inc
Classification: Uncertain significance for Tobacco addiction, susceptibility to; Developmental and epileptic encephalopathy, 59; Neurodevelopmental disorder with poor language and loss of hand skills. Review status: criteria provided, single submitter. Criteria: ACMG Guidelines, 2015. Collection method: clinical testing. Allele origin: germline.
Comment: Absent from controls (or at extremely low frequency if recessive) in Genome Aggregation Database.;Missense variant in a gene that has a low rate of benign missense variation.;Multiple lines of computational evidence support a deleterious effect on the gene or gene product.